The following is an entry in ClinVar:

ClinVar aggregate classification (germline): Uncertain significance (1 of 4 stars; one submission).

Conditions:
Inborn genetic diseases. Identifiers: MedGen C0950123, MeSH D030342.

Submission:

Ambry Genetics
Classification: Uncertain significance for Inborn genetic diseases. Last evaluated: 2026-05-14. Review status: criteria provided, single submitter. Criteria: Ambry Variant Classification Scheme 2023. Collection method: clinical testing. Allele origin: germline.
Comment: The p.T946A variant (also known as c.2836A>G), located in coding exon 12 of the BMPR2 gene, results from an A to G substitution at nucleotide position 2836. The threonine at codon 946 is replaced by alanine, an amino acid with similar properties. This amino acid position is conserved. In addition, the in silico prediction for this alteration is inconclusive. Based on the available evidence, the clinical significance of this variant remains unclear.

NM_001204.7(BMPR2):c.2836A>G (p.Thr946Ala)

Gene: BMPR2 (bone morphogenetic protein receptor type 2; plus strand). Cytogenetic location: 2q33.2.
Variant type: single nucleotide variant.
Coding change: c.2836A>G on transcript NM_001204.7 (MANE Select); coding-DNA position 2836, A replaced by G.
Protein change: p.Thr946Ala; replaces threonine 946 with alanine.
Molecular consequence: missense variant.
Genome position (GRCh38, 1-based): chr2:202,556,501, A>G. VCF-style: chr2-202556501-A-G. GRCh37 (hg19) VCF-style: chr2-203421224-A-G.
Other names: short protein forms T946A.
Identifiers: ClinVar variation 4867634 (VCV004867634.1).
Genomic context (GRCh38, chr2:202,556,501, plus strand): 5'-GATCCTGGGCCATCAAAGCCCAGAAGAGCACAGAGGCCTAATTCTCTGGATCTTTCAGCC[A>G]CAAATGTCCTGGATGGCAGCAGTATACAGAGTAAGTGGAGGGATCATATAATCTCTCCTG-3'
Protein context (NP_001195.2, residues 936-956): QRPNSLDLSA[Thr946Ala]NVLDGSSIQI